The following is an entry in ClinVar:

ClinVar aggregate classification (germline): Uncertain significance (1 of 4 stars; one submission).

Conditions:
Christianson syndrome (MRXSCH). Also called: SLC9A6-Related Syndromic Mental Retardation; INTELLECTUAL DEVELOPMENTAL DISORDER, X-LINKED, SYNDROMIC, CHRISTIANSON TYPE; X-linked mental retardation, syndromic, Christianson type. Identifiers: Orphanet 85278, MedGen C2678194, MONDO:0010278, OMIM 300243.

Submission:

Labcorp Genetics (formerly Invitae), Labcorp
Classification: Uncertain significance for Christianson syndrome. Last evaluated: 2022-11-01. Review status: criteria provided, single submitter. Criteria: Invitae Variant Classification Sherloc (09022015). Collection method: clinical testing. Allele origin: germline.
Comment: In summary, the available evidence is currently insufficient to determine the role of this variant in disease. Therefore, it has been classified as a Variant of Uncertain Significance. Algorithms developed to predict the effect of sequence changes on RNA splicing suggest that this variant may disrupt the consensus splice site. ClinVar contains an entry for this variant (Variation ID: 1509132). This variant has not been reported in the literature in individuals affected with SLC9A6-related conditions. This variant is not present in population databases (gnomAD no frequency). This sequence change affects codon 536 of the SLC9A6 mRNA. It is a 'silent' change, meaning that it does not change the encoded amino acid sequence of the SLC9A6 protein.

NM_001379110.1(SLC9A6):c.1638G>T (p.Arg546=)

Gene: SLC9A6 (solute carrier family 9 member A6; plus strand). Cytogenetic location: Xq26.3.
Variant type: single nucleotide variant.
Coding change: c.1638G>T on transcript NM_001379110.1 (MANE Select); coding-DNA position 1638, G replaced by T.
Protein change: p.Arg546=; no amino-acid change (arginine 546 retained).
Molecular consequence: synonymous variant.
Genome position (GRCh38, 1-based): chrX:136,033,470, G>T. VCF-style: chrX-136033470-G-T. GRCh37 (hg19) VCF-style: chrX-135115629-G-T.
Other names: c.1704G>T, p.Arg568= (NM_001042537.2); c.1548G>T, p.Arg516= (NM_001177651.2); c.1452G>T, p.Arg484= (NM_001330652.2); c.1608G>T, p.Arg536= (NM_006359.3).
Identifiers: ClinVar variation 1509132 (VCV001509132.6), dbSNP rs2148201776, ClinGen allele CA518758964.